The following is an entry in ClinVar:

ClinVar aggregate classification (germline): Uncertain significance (1 of 4 stars; one submission).

gnomAD v4.1: 3 of 1,613,066 alleles (0.00019%); highest among the groups gnomAD compares: Admixed American, 0.0017%; no homozygotes.

Submission:

GeneDx
Classification: Uncertain significance. Last evaluated: 2024-09-05. Review status: criteria provided, single submitter. Criteria: GeneDx Variant Classification Process June 2021. Collection method: clinical testing. Allele origin: germline. Affected: yes.
Comment: Not observed at significant frequency in large population cohorts (gnomAD); In silico analysis supports that this missense variant has a deleterious effect on protein structure/function; Has not been previously published as pathogenic or benign to our knowledge

NM_004667.6(HERC2):c.8044G>T (p.Asp2682Tyr)

Gene: HERC2 (HECT and RLD domain containing E3 ubiquitin protein ligase 2; minus strand). Cytogenetic location: 15q13.1.
Variant type: single nucleotide variant.
Coding change: c.8044G>T on transcript NM_004667.6 (MANE Select); coding-DNA position 8044, G replaced by T.
Protein change: p.Asp2682Tyr; replaces aspartic acid 2682 with tyrosine.
Molecular consequence: missense variant.
Genome position (GRCh38, 1-based): chr15:28,196,537, C>A on the plus strand (G>T on the coding strand, the complement: HERC2 is on the minus strand). VCF-style: chr15-28196537-C-A. GRCh37 (hg19) VCF-style: chr15-28441683-C-A.
Other names: short protein forms D2682Y.
Identifiers: ClinVar variation 3767569 (VCV003767569.1).